The following is an entry in ClinVar:

ClinVar aggregate classification (germline): Uncertain significance (1 of 4 stars; one submission).

Conditions:
Familial hemiplegic migraine. Identifiers: MedGen C0338484, MONDO:0000700.

Submission:

Labcorp Genetics (formerly Invitae), Labcorp
Classification: Uncertain significance for Familial hemiplegic migraine. Last evaluated: 2024-06-05. Review status: criteria provided, single submitter. Criteria: Invitae Variant Classification Sherloc (09022015). Collection method: clinical testing. Allele origin: germline.
Comment: This sequence change replaces leucine, which is neutral and non-polar, with glutamine, which is neutral and polar, at codon 342 of the ATP1A2 protein (p.Leu342Gln). This variant is not present in population databases (gnomAD no frequency). This variant has not been reported in the literature in individuals affected with ATP1A2-related conditions. Advanced modeling of protein sequence and biophysical properties (such as structural, functional, and spatial information, amino acid conservation, physicochemical variation, residue mobility, and thermodynamic stability) has been performed at Invitae for this missense variant, however the output from this modeling did not meet the statistical confidence thresholds required to predict the impact of this variant on ATP1A2 protein function. In summary, the available evidence is currently insufficient to determine the role of this variant in disease. Therefore, it has been classified as a Variant of Uncertain Significance.

NM_000702.4(ATP1A2):c.1025T>A (p.Leu342Gln)

Gene: ATP1A2 (ATPase Na+/K+ transporting subunit alpha 2; plus strand). Cytogenetic location: 1q23.2.
Variant type: single nucleotide variant.
Coding change: c.1025T>A on transcript NM_000702.4 (MANE Select); coding-DNA position 1025, T replaced by A.
Protein change: p.Leu342Gln; replaces leucine 342 with glutamine.
Molecular consequence: missense variant.
Genome position (GRCh38, 1-based): chr1:160,128,659, T>A. VCF-style: chr1-160128659-T-A. GRCh37 (hg19) VCF-style: chr1-160098449-T-A.
Other names: short protein forms L342Q.
Identifiers: ClinVar variation 3655690 (VCV003655690.2).